The following is an entry in ClinVar:

ClinVar aggregate classification (germline): Uncertain significance (1 of 4 stars; one submission).

Submission:

CeGaT Center for Human Genetics Tuebingen
Classification: Uncertain significance. Last evaluated: 2026-02-01. Review status: criteria provided, single submitter. Criteria: CeGaT Center For Human Genetics Tuebingen Variant Classification Criteria Version 2. Collection method: clinical testing. Allele origin: germline. Affected: yes. Observed: 1 variant allele.
Comment: TANC2: PM2

NM_001394998.1(TANC2):c.5431C>T (p.Pro1811Ser)

Gene: TANC2 (tetratricopeptide repeat, ankyrin repeat and coiled-coil containing 2; plus strand). Cytogenetic location: 17q23.3.
Variant type: single nucleotide variant.
Coding change: c.5431C>T on transcript NM_001394998.1 (MANE Select); coding-DNA position 5431, C replaced by T.
Protein change: p.Pro1811Ser; replaces proline 1811 with serine.
Molecular consequence: missense variant.
Genome position (GRCh38, 1-based): chr17:63,421,161, C>T. VCF-style: chr17-63421161-C-T. GRCh37 (hg19) VCF-style: chr17-61498522-C-T.
Other names: c.5209C>T, p.Pro1737Ser (NM_001411076.1); c.5179C>T, p.Pro1727Ser (NM_025185.4); short protein forms P1727S, P1737S, P1811S.
Identifiers: ClinVar variation 4822081 (VCV004822081.4).